The following is an entry in ClinVar:

ClinVar aggregate classification (germline): Uncertain significance. Review status: criteria provided, multiple submitters, no conflicts (2 of 4 stars). 3 submissions from 3 submitters: Uncertain significance (3). Last evaluated 2026-03-03.

Conditions:
MERTK-related disorder. Also called: MERTK-related condition.
Inborn genetic diseases. Identifiers: MedGen C0950123, MeSH D030342.

Allele frequency attached by ClinVar (database versions not stated): gnomAD 0.00001.
gnomAD v4.1: 18 of 1,613,072 alleles (0.0011%); highest among the groups gnomAD compares: East Asian, 0.029%; no homozygotes.

Submissions (3):

PreventionGenetics, part of Exact Sciences
Classification: Uncertain significance for MERTK-related condition. Last evaluated: 2026-03-03. Review status: criteria provided, single submitter. Criteria: ACMG Guidelines, 2015. Collection method: clinical testing. Allele origin: germline.
Comment: The MERTK c.1874A>G variant is predicted to result in the amino acid substitution p.Asn625Ser. To our knowledge, this variant has not been reported in the literature. This variant is reported in 0.030% of alleles in individuals of East Asian descent in gnomAD. At this time, the clinical significance of this variant is uncertain due to the absence of conclusive functional and genetic evidence.

Labcorp Genetics (formerly Invitae), Labcorp
Classification: Uncertain significance. Last evaluated: 2024-12-16. Review status: criteria provided, single submitter. Criteria: Invitae Variant Classification Sherloc (09022015). Collection method: clinical testing. Allele origin: germline.
Comment: This sequence change replaces asparagine, which is neutral and polar, with serine, which is neutral and polar, at codon 625 of the MERTK protein (p.Asn625Ser). This variant is present in population databases (rs755221937, gnomAD 0.03%). This variant has not been reported in the literature in individuals affected with MERTK-related conditions. ClinVar contains an entry for this variant (Variation ID: 1519125). Invitae Evidence Modeling of protein sequence and biophysical properties (such as structural, functional, and spatial information, amino acid conservation, physicochemical variation, residue mobility, and thermodynamic stability) indicates that this missense variant is not expected to disrupt MERTK protein function with a negative predictive value of 80%. In summary, the available evidence is currently insufficient to determine the role of this variant in disease. Therefore, it has been classified as a Variant of Uncertain Significance.

Ambry Genetics
Classification: Uncertain significance for Inborn genetic diseases. Last evaluated: 2023-12-17. Review status: criteria provided, single submitter. Criteria: Ambry Variant Classification Scheme 2023. Collection method: clinical testing. Allele origin: germline.

NM_006343.3(MERTK):c.1874A>G (p.Asn625Ser)

Gene: MERTK (MER proto-oncogene, tyrosine kinase; plus strand). Cytogenetic location: 2q13.
Variant type: single nucleotide variant.
Coding change: c.1874A>G on transcript NM_006343.3 (MANE Select); coding-DNA position 1874, A replaced by G.
Protein change: p.Asn625Ser; replaces asparagine 625 with serine.
Molecular consequence: missense variant.
Genome position (GRCh38, 1-based): chr2:112,008,389, A>G. VCF-style: chr2-112008389-A-G. GRCh37 (hg19) VCF-style: chr2-112765966-A-G.
Other names: c.1874A>G (NM_006343.2); short protein forms N625S.
Identifiers: ClinVar variation 1519125 (VCV001519125.10), dbSNP rs755221937, ClinGen allele CA1831580.